The following is an entry in ClinVar:

NM_002661.5(PLCG2):c.2737A>G (p.Lys913Glu)

Gene: PLCG2 (phospholipase C gamma 2; plus strand). Cytogenetic location: 16q23.3.
Variant type: single nucleotide variant.
Coding change: c.2737A>G on transcript NM_002661.5 (MANE Select); coding-DNA position 2737, A replaced by G.
Protein change: p.Lys913Glu; replaces lysine 913 with glutamic acid.
Molecular consequence: missense variant.
Genome position (GRCh38, 1-based): chr16:81,931,652, A>G. VCF-style: chr16-81931652-A-G. GRCh37 (hg19) VCF-style: chr16-81965257-A-G.
Other names: short protein forms K913E.
Identifiers: ClinVar variation 2646900 (VCV002646900.26), dbSNP rs369704658, ClinGen allele CA8194402.
Genomic context (GRCh38, chr16:81,931,652, plus strand): 5'-GTGGAGGAGCTCTTTGAGTGGTTTCAGAGCATCCGAGAGATCACCTGGAAGATTGACACC[A>G]AGGTAGGCACCTGCTCACCCGGGTGCAGGTGGGCCTGGCATTCTGAGGGCTTTGGTGCTC-3'
Protein context (NP_002652.2, residues 903-923): IREITWKIDT[Lys913Glu]ENNMKYWEKN

ClinVar aggregate classification (germline): Uncertain significance. Review status: criteria provided, multiple submitters, no conflicts (2 of 4 stars). 2 submissions from 2 submitters: Uncertain significance (2). Last evaluated 2024-02-12.

Conditions:
Familial cold autoinflammatory syndrome 3 (FCAS3). Also called: FAMILIAL ATYPICAL COLD URTICARIA; ANTIBODY DEFICIENCY AND IMMUNE DYSREGULATION, PLCG2-ASSOCIATED. Identifiers: Orphanet 300359, MedGen C3280914, MONDO:0013766, OMIM 614468.

Allele frequency attached by ClinVar (database versions not stated): ExAC 0.00001; ESP Exome Variant Server 0.00008.

Submissions (2):

Labcorp Genetics (formerly Invitae), Labcorp
Classification: Uncertain significance for Familial cold autoinflammatory syndrome 3. Last evaluated: 2024-02-12. Review status: criteria provided, single submitter. Criteria: Invitae Variant Classification Sherloc (09022015). Collection method: clinical testing. Allele origin: germline.
Comment: This sequence change replaces lysine, which is basic and polar, with glutamic acid, which is acidic and polar, at codon 913 of the PLCG2 protein (p.Lys913Glu). This variant is present in population databases (rs369704658, gnomAD 0.0009%). This variant has not been reported in the literature in individuals affected with PLCG2-related conditions. ClinVar contains an entry for this variant (Variation ID: 2646900). An algorithm developed to predict the effect of missense changes on protein structure and function (PolyPhen-2) suggests that this variant is likely to be tolerated. In summary, the available evidence is currently insufficient to determine the role of this variant in disease. Therefore, it has been classified as a Variant of Uncertain Significance.

CeGaT Center for Human Genetics Tuebingen
Classification: Uncertain significance. Last evaluated: 2022-05-01. Review status: criteria provided, single submitter. Criteria: CeGaT Center For Human Genetics Tuebingen Variant Classification Criteria Version 2. Collection method: clinical testing. Allele origin: germline. Affected: yes. Observed: 1 variant allele.
Comment: PLCG2: PM2, BP4